The following is an entry in ClinVar:

ClinVar aggregate classification (germline): Conflicting classifications of pathogenicity. Review status: criteria provided, conflicting classifications (1 of 4 stars). 4 submissions from 4 submitters: Uncertain significance (2); Likely benign (2). Last evaluated 2025-12-02.

Conditions:
Joubert syndrome. Also called: Familial aplasia of the vermis; JOUBERT-BOLTSHAUSER SYNDROME. Identifiers: Orphanet 475, MedGen C5979921, MONDO:0018772.
Meckel-Gruber syndrome. Also called: Dysencephalia splachnocystica; DYSENCEPHALIA SPLANCHNOCYSTICA; GRUBER SYNDROME. Identifiers: Orphanet 564, MedGen C0265215, MONDO:0018921.

Allele frequency attached by ClinVar (database versions not stated): ExAC 0.00007; 1000 Genomes Project 30x 0.00016; 1000 Genomes Project 0.00020; gnomAD 0.00021 and 0.00022; ESP Exome Variant Server 0.00025; TOPMed 0.00028.
gnomAD v4.1: 75 of 1,596,884 alleles (0.0047%); highest among the groups gnomAD compares: African/African-American, 0.055%; no homozygotes.

Submissions (4):

Labcorp Genetics (formerly Invitae), Labcorp
Classification: Likely benign for Joubert syndrome; Meckel-Gruber syndrome. Last evaluated: 2025-12-02. Review status: criteria provided, single submitter. Criteria: Invitae Variant Classification Sherloc (09022015). Collection method: clinical testing. Allele origin: germline.

GeneDx
Classification: Uncertain significance. Last evaluated: 2024-12-02. Review status: criteria provided, single submitter. Criteria: GeneDx Variant Classification Process June 2021. Collection method: clinical testing. Allele origin: germline. Affected: yes.
Comment: Has not been previously published as pathogenic or benign to our knowledge; In silico analysis suggests this variant may impact gene splicing. In the absence of RNA/functional studies, the actual effect of this sequence change is unknown.

Blueprint Genetics
Classification: Likely benign. Last evaluated: 2023-05-23. Review status: criteria provided, single submitter. Criteria: ACMG Guidelines, 2015. Collection method: clinical testing. Allele origin: germline.

Eurofins Ntd Llc (ga)
Classification: Uncertain significance. Last evaluated: 2017-02-07. Review status: criteria provided, single submitter. Criteria: EGL Classification Definitions 2015. Collection method: clinical testing. Allele origin: germline. Observed: 3 variant alleles, 3 heterozygotes.

NM_001378615.1(CC2D2A):c.2007G>A (p.Ala669=)

Genes: CC2D2A (coiled-coil and C2 domain containing 2A; plus strand), FBXL5 (F-box and leucine rich repeat protein 5; minus strand). Cytogenetic location: 4p15.32.
Variant type: single nucleotide variant.
Coding change: c.2007G>A on transcript NM_001378615.1 (MANE Select); coding-DNA position 2007, G replaced by A.
Protein change: p.Ala669=; no amino-acid change (alanine 669 retained).
Molecular consequence: synonymous variant.
Genome position (GRCh38, 1-based): chr4:15,540,840, G>A. VCF-style: chr4-15540840-G-A. GRCh37 (hg19) VCF-style: chr4-15542463-G-A.
Other names: c.2007G>A, p.Ala669= (NM_001080522.2); c.1860G>A, p.Ala620= (NM_001378617.1).
Identifiers: ClinVar variation 287925 (VCV000287925.18), dbSNP rs376644970, ClinGen allele CA2863822.